The following is an entry in ClinVar:

ClinVar aggregate classification (germline): Likely pathogenic. Review status: criteria provided, multiple submitters, no conflicts (2 of 4 stars). 3 submissions from 3 submitters: Likely pathogenic (3). Last evaluated 2024-10-30.

Conditions:
Deep venous thrombosis. Also called: Deep vein thrombosis. Identifiers: MedGen C0149871, MeSH D020246, HP:0002625.
Thromboembolism. Identifiers: MedGen C0040038, HP:0001907.
Thrombophilia due to protein C deficiency, autosomal dominant. Also called: PROC DEFICIENCY, AUTOSOMAL DOMINANT; PROTEIN C DEFICIENCY, AUTOSOMAL DOMINANT. Identifiers: Orphanet 745, MedGen C2674321, MONDO:0008316, OMIM 176860. Disease mechanism: loss of function.

gnomAD v4.1: 13 of 1,606,624 alleles (0.00081%); highest among the groups gnomAD compares: Non-Finnish European, 0.0011%; no homozygotes.

Submissions (3):

Labcorp Genetics (formerly Invitae), Labcorp
Classification: Likely pathogenic for Thrombophilia due to protein C deficiency, autosomal dominant. Last evaluated: 2024-10-30. Review status: criteria provided, single submitter. Criteria: Invitae Variant Classification Sherloc (09022015). Collection method: clinical testing. Allele origin: germline.
Comment: This sequence change replaces phenylalanine, which is neutral and non-polar, with leucine, which is neutral and non-polar, at codon 118 of the PROC protein (p.Phe118Leu). This variant is not present in population databases (gnomAD no frequency). This missense change has been observed in individual(s) with protein C deficiency (PMID: 1868249, 17152060, 32717757, 34355501). It has also been observed to segregate with disease in related individuals. This variant is also known as p.Phe76Leu. ClinVar contains an entry for this variant (Variation ID: 469122). An algorithm developed specifically for the PROC gene suggests that this missense change is likely to be deleterious (PMID: 17152060). In summary, the currently available evidence indicates that the variant is pathogenic, but additional data are needed to prove that conclusively. Therefore, this variant has been classified as Likely Pathogenic.

ISTH-SSC Genomics in Thrombosis and Hemostasis, KU Leuven, Center for Molecular and Vascular Biology
Classification: Likely pathogenic for Thrombophilia due to protein C deficiency, autosomal dominant. Last evaluated: 2020-01-01. Review status: criteria provided, single submitter. Criteria: ACMG Guidelines, 2015. Collection method: clinical testing. Allele origin: unknown. Affected: yes.
Comment: Submitted to GoldVariant by Kathleen Freson, Center for Molecular and Vascular Biology, Leuven, Belgium

NIHR Bioresource Rare Diseases, University of Cambridge
Classification: Likely pathogenic for Thromboembolism; Deep venous thrombosis. Last evaluated: 2019-02-01. Review status: criteria provided, single submitter. Criteria: ACMG Guidelines, 2015. Collection method: research. Allele origin: unknown. Affected: yes. Observed: 1 heterozygote. Study: ThromboGenomics.

Literature cited by the submitters: PubMed 1868249 (cited by Labcorp Genetics (formerly Invitae), Labcorp); PubMed 17152060 (cited by Labcorp Genetics (formerly Invitae), Labcorp); PubMed 32717757 (cited by Labcorp Genetics (formerly Invitae), Labcorp); PubMed 34355501 (cited by Labcorp Genetics (formerly Invitae), Labcorp and ISTH-SSC Genomics in Thrombosis and Hemostasis, KU Leuven, Center for Molecular and Vascular Biology); PubMed 31064749 (cited by NIHR Bioresource Rare Diseases, University of Cambridge).

NM_000312.4(PROC):c.352T>C (p.Phe118Leu)

Gene: PROC (protein C, inactivator of coagulation factors Va and VIIIa; plus strand). Cytogenetic location: 2q14.3.
Variant type: single nucleotide variant.
Coding change: c.352T>C on transcript NM_000312.4 (MANE Select); coding-DNA position 352, T replaced by C.
Protein change: p.Phe118Leu; replaces phenylalanine 118 with leucine.
Molecular consequence: missense variant. On other transcripts: synonymous variant (1).
Genome position (GRCh38, 1-based): chr2:127,423,123, T>C. VCF-style: chr2-127423123-T-C. GRCh37 (hg19) VCF-style: chr2-128180699-T-C.
Other names: c.535T>C, p.Phe179Leu (NM_001375602.1); c.415T>C, p.Phe139Leu (NM_001375603.1, NM_001375604.1); c.352T>C, p.Phe118Leu (NM_001375605.1, NM_001375608.1, NM_001375611.1 and 1 more transcripts); c.507T>C, p.Ala169= (NM_001375606.1); c.436T>C, p.Phe146Leu (NM_001375607.1); c.328T>C, p.Phe110Leu (NM_001375609.1); c.346T>C, p.Phe116Leu (NM_001375610.1); short protein forms F118L, F110L, F116L, F139L, F146L, F179L.
Identifiers: ClinVar variation 469122 (VCV000469122.11), dbSNP rs1553424043, ClinGen allele CA348399094.